The following is an entry in ClinVar:

NM_024996.7(GFM1):c.1596del (p.Val533fs)

Gene: GFM1 (G elongation factor mitochondrial 1; plus strand). Cytogenetic location: 3q25.32.
Variant type: Deletion.
Coding change: c.1596del on transcript NM_024996.7 (MANE Select); coding-DNA position 1596, one base deleted (T; older notation c.1596delT).
Protein change: p.Val533fs; shifts the reading frame from valine 533.
Molecular consequence: frameshift variant. On other transcripts: non-coding transcript variant (4).
Genome position (GRCh38, 1-based): chr3:158,666,381, T deleted. VCF-style (leftmost placement, unchanged base first): chr3-158666380-CT-C. GRCh37 (hg19) VCF-style: chr3-158384169-CT-C.
Other names: c.1596delT (NM_024996.5); c.1653del, p.Val552fs (NM_001308164.2); c.1596del, p.Val533fs (NM_001308166.2); c.1515del, p.Val506fs (NM_001374355.1); c.1479del, p.Val494fs (NM_001374356.1); c.1371del, p.Val458fs (NM_001374357.1); c.1137del, p.Val380fs (NM_001374358.1); c.1029del, p.Val344fs (NM_001374359.1, NM_001374360.1); and 1 more; short protein forms V533fs, V552fs, V305fs, V344fs, V380fs, V458fs, V494fs, V506fs.
Identifiers: ClinVar variation 214497 (VCV000214497.8), dbSNP rs761095873, ClinGen allele CA321313.

ClinVar aggregate classification (germline): Pathogenic/Likely pathogenic. Review status: criteria provided, multiple submitters, no conflicts (2 of 4 stars). 3 submissions from 3 submitters: Pathogenic (2); Likely pathogenic (1). Last evaluated 2025-08-01.

Conditions:
Hepatoencephalopathy due to combined oxidative phosphorylation defect type 1. Also called: HEPATOENCEPHALOPATHY, EARLY FATAL PROGRESSIVE. Identifiers: Orphanet 137681, MedGen C1836797, MONDO:0012191, OMIM 609060.

Allele frequency attached by ClinVar (database versions not stated): gnomAD exomes below 0.00001; ExAC 0.00001; gnomAD 0.00001; TOPMed 0.00001.

Submissions (3):

Natera, Inc.
Classification: Likely pathogenic for Combined oxidative phosphorylation deficiency 1. Last evaluated: 2025-08-01. Review status: criteria provided, single submitter. Criteria: Natera Variant Classification Schema (03/2026). Collection method: clinical testing. Allele origin: germline.
Comment: The c.1596delT variant in GFM1 is a frameshift variant predicted to shift the reading frame beginning at codon 533 and leads to a stop codon 20 codons downstream. This variant is expected to result in nonsense mediated decay, truncation, or a dysfunctional protein product. This variant is rare in the general population with a frequency below the threshold expected for the associated phenotype(s). Given the available evidence, this variant is classified as Likely Pathogenic.

Labcorp Genetics (formerly Invitae), Labcorp
Classification: Pathogenic. Last evaluated: 2023-08-03. Review status: criteria provided, single submitter. Criteria: Invitae Variant Classification Sherloc (09022015). Collection method: clinical testing. Allele origin: germline.
Comment: This sequence change creates a premature translational stop signal (p.Val533Serfs*20) in the GFM1 gene. It is expected to result in an absent or disrupted protein product. Loss-of-function variants in GFM1 are known to be pathogenic (PMID: 16632485, 17160893). This variant is present in population databases (rs761095873, gnomAD 0.0009%). For these reasons, this variant has been classified as Pathogenic. ClinVar contains an entry for this variant (Variation ID: 214497). This variant has not been reported in the literature in individuals affected with GFM1-related conditions.

GeneDx
Classification: Pathogenic. Last evaluated: 2014-06-30. Review status: criteria provided, single submitter. Criteria: GeneDx Variant Classification (06012015). Collection method: clinical testing. Allele origin: germline. Affected: yes.
Comment: c.1596delT: p.Val533SerfsX20 (V533SfsX20) of the GFM1 gene (NM_024996.5). The normal sequence with the base deleted in braces is: GCCCC{T}GTCC. The c.1596delT mutation causes a frameshift starting with codon Valine 533, changes this amino acid to a Serine residue and creates a premature Stop codon at position 20 of the new reading frame, denoted p.Val533SerfsX20. This mutation is predicted to cause loss of normal protein function either through protein truncation or nonsense-mediated mRNA decay. Although this mutation has not been previously reported to our knowledge, it is expected to be a pathogenic mutation. The variant is found in MITONUC-MITOP panel(s).

Literature cited by the submitters: PubMed 16632485 (cited by Labcorp Genetics (formerly Invitae), Labcorp); PubMed 17160893 (cited by Labcorp Genetics (formerly Invitae), Labcorp).